The following is an entry in ClinVar:

ClinVar aggregate classification (germline): Uncertain significance (1 of 4 stars; one submission).

gnomAD v4.1: 3 of 1,614,048 alleles (0.00019%); highest among the groups gnomAD compares: African/African-American, 0.0027%; no homozygotes.

Submission:

Labcorp Genetics (formerly Invitae), Labcorp
Classification: Uncertain significance. Last evaluated: 2026-01-22. Review status: criteria provided, single submitter. Criteria: Invitae Variant Classification Sherloc (09022015). Collection method: clinical testing. Allele origin: germline.
Comment: This sequence change replaces leucine, which is neutral and non-polar, with serine, which is neutral and polar, at codon 96 of the SLC51B protein (p.Leu96Ser). This variant is not present in population databases (gnomAD no frequency). This variant has not been reported in the literature in individuals affected with SLC51B-related conditions. An algorithm developed to predict the effect of missense changes on protein structure and function (PolyPhen-2) suggests that this variant is likely to be disruptive. In summary, the available evidence is currently insufficient to determine the role of this variant in disease. Therefore, it has been classified as a Variant of Uncertain Significance.

NM_178859.4(SLC51B):c.287T>C (p.Leu96Ser)

Genes: RASL12 (RAS like family 12; minus strand), SLC51B (SLC51 subunit beta; plus strand). Cytogenetic location: 15q22.31.
Variant type: single nucleotide variant.
Coding change: c.287T>C on transcript NM_178859.4 (MANE Select); coding-DNA position 287, T replaced by C.
Protein change: p.Leu96Ser; replaces leucine 96 with serine.
Molecular consequence: missense variant.
Genome position (GRCh38, 1-based): chr15:65,053,064, T>C. VCF-style: chr15-65053064-T-C. GRCh37 (hg19) VCF-style: chr15-65345402-T-C.
Other names: short protein forms L96S.
Identifiers: ClinVar variation 4725576 (VCV004725576.1).